The following is an entry in ClinVar:

ClinVar aggregate classification (germline): Uncertain significance (1 of 4 stars; one submission).

Submission:

Labcorp Genetics (formerly Invitae), Labcorp
Classification: Uncertain significance. Last evaluated: 2022-07-09. Review status: criteria provided, single submitter. Criteria: Invitae Variant Classification Sherloc (09022015). Collection method: clinical testing. Allele origin: germline.
Comment: This sequence change replaces alanine, which is neutral and non-polar, with valine, which is neutral and non-polar, at codon 986 of the DSG1 protein (p.Ala986Val). This variant is not present in population databases (gnomAD no frequency). This variant has not been reported in the literature in individuals affected with DSG1-related conditions. Algorithms developed to predict the effect of missense changes on protein structure and function output the following: SIFT: "Tolerated"; PolyPhen-2: "Benign"; Align-GVGD: "Class C0". The valine amino acid residue is found in multiple mammalian species, which suggests that this missense change does not adversely affect protein function. In summary, the available evidence is currently insufficient to determine the role of this variant in disease. Therefore, it has been classified as a Variant of Uncertain Significance.

NM_001942.4(DSG1):c.2957C>T (p.Ala986Val)

Genes: DSG1 (desmoglein 1; plus strand), DSG1-AS1 (DSG1 antisense RNA 1; minus strand). Cytogenetic location: 18q12.1.
Variant type: single nucleotide variant.
Coding change: c.2957C>T on transcript NM_001942.4 (MANE Select); coding-DNA position 2957, C replaced by T.
Protein change: p.Ala986Val; replaces alanine 986 with valine.
Molecular consequence: missense variant.
Genome position (GRCh38, 1-based): chr18:31,355,153, C>T. VCF-style: chr18-31355153-C-T. GRCh37 (hg19) VCF-style: chr18-28935116-C-T.
Other names: short protein forms A986V.
Identifiers: ClinVar variation 2015579 (VCV002015579.4), dbSNP rs2510846427, ClinGen allele CA402125268.
Genomic context (GRCh38, chr18:31,355,153, plus strand): 5'-GCACCACTGGGATCAGCGGTGGCATAGGCAGCAGTGGCCTGGTTGGCACCAGCATGGGTG[C>T]TGGGAGCGGTGCCCTGAGTGGAGCTGGCATAAGTGGTGGTGGCATTGGCCTGAGCAGCTT-3'
Protein context (NP_001933.2, residues 976-996): SSGLVGTSMG[Ala986Val]GSGALSGAGI